The following is an entry in ClinVar:

NM_004385.5(VCAN):c.9320C>G (p.Thr3107Ser)

Genes: VCAN (versican; plus strand), VCAN-AS1 (VCAN antisense RNA 1; minus strand). Cytogenetic location: 5q14.3.
Variant type: single nucleotide variant.
Coding change: c.9320C>G on transcript NM_004385.5 (MANE Select); coding-DNA position 9320, C replaced by G.
Protein change: p.Thr3107Ser; replaces threonine 3107 with serine.
Molecular consequence: missense variant.
Genome position (GRCh38, 1-based): chr5:83,545,591, C>G. VCF-style: chr5-83545591-C-G. GRCh37 (hg19) VCF-style: chr5-82841410-C-G.
Other names: c.1097C>G, p.Thr366Ser (NM_001126336.3); c.6359C>G, p.Thr2120Ser (NM_001164097.2); c.4058C>G, p.Thr1353Ser (NM_001164098.2); short protein forms T366S, T1353S, T2120S, T3107S.
Identifiers: ClinVar variation 4713928 (VCV004713928.1).
Genomic context (GRCh38, chr5:83,545,591, plus strand): 5'-TGGTAGGACCTGATCGCTGCAAAATGAACCCGTGCCTTAACGGAGGCACCTGTTATCCTA[C>G]TGAAACTTCCTACGTATGCACCTGTGTGCCAGGATACAGCGGAGACCAGTGTGAACTTGG-3'
Protein context (NP_004376.2, residues 3097-3117): PCLNGGTCYP[Thr3107Ser]ETSYVCTCVP

ClinVar aggregate classification (germline): Uncertain significance (1 of 4 stars; one submission).

Submission:

Labcorp Genetics (formerly Invitae), Labcorp
Classification: Uncertain significance. Last evaluated: 2025-02-26. Review status: criteria provided, single submitter. Criteria: Invitae Variant Classification Sherloc (09022015). Collection method: clinical testing. Allele origin: germline.
Comment: This sequence change replaces threonine, which is neutral and polar, with serine, which is neutral and polar, at codon 3107 of the VCAN protein (p.Thr3107Ser). This variant is not present in population databases (gnomAD no frequency). This variant has not been reported in the literature in individuals affected with VCAN-related conditions. An algorithm developed to predict the effect of missense changes on protein structure and function (PolyPhen-2) suggests that this variant is likely to be disruptive. In summary, the available evidence is currently insufficient to determine the role of this variant in disease. Therefore, it has been classified as a Variant of Uncertain Significance.